The following is an entry in ClinVar:

ClinVar aggregate classification (germline): Uncertain significance (1 of 4 stars; one submission).

Submission:

Mayo Clinic Laboratories, Mayo Clinic
Classification: Uncertain significance. Last evaluated: 2023-11-03. Review status: criteria provided, single submitter. Criteria: ACMG Guidelines, 2015. Collection method: clinical testing. Allele origin: germline. Observed: 1 variant allele.
Comment: PM2_moderate, PM3_supporting

Literature cited by the submitters: PubMed 34716721; PubMed 35586607.

NM_024678.6(NARS2):c.670C>T (p.His224Tyr)

Gene: NARS2 (asparaginyl-tRNA synthetase 2, mitochondrial; minus strand). Cytogenetic location: 11q14.1.
Variant type: single nucleotide variant.
Coding change: c.670C>T on transcript NM_024678.6 (MANE Select); coding-DNA position 670, C replaced by T.
Protein change: p.His224Tyr; replaces histidine 224 with tyrosine.
Molecular consequence: missense variant. On other transcripts: 5 prime UTR variant (5), non-coding transcript variant (4), intron variant (2).
Genome position (GRCh38, 1-based): chr11:78,528,861, G>A on the plus strand (C>T on the coding strand, the complement: NARS2 is on the minus strand). VCF-style: chr11-78528861-G-A. GRCh37 (hg19) VCF-style: chr11-78239907-G-A.
Other names: p.His224Tyr; c.-12C>T (NM_001243251.2, NM_001425310.1, NM_001425312.1 and 2 more transcripts); c.670C>T, p.His224Tyr (NM_001425299.1, NM_001425300.1, NM_001425301.1 and 4 more transcripts); c.589C>T, p.His197Tyr (NM_001425302.1, NM_001425303.1); c.439C>T, p.His147Tyr (NM_001425308.1); c.594+30678C>T (NM_001425307.1); c.38+30678C>T (NM_001425311.1); short protein forms H147Y, H197Y, H224Y.
Identifiers: ClinVar variation 3380039 (VCV003380039.1).